The following is an entry in ClinVar:

ClinVar aggregate classification (germline): Uncertain significance. Review status: criteria provided, multiple submitters, no conflicts (2 of 4 stars). 2 submissions from 2 submitters: Uncertain significance (2). Last evaluated 2025-02-16.

Submissions (2):

Labcorp Genetics (formerly Invitae), Labcorp
Classification: Uncertain significance. Last evaluated: 2025-02-16. Review status: criteria provided, single submitter. Criteria: Invitae Variant Classification Sherloc (09022015). Collection method: clinical testing. Allele origin: germline.
Comment: This sequence change replaces histidine, which is basic and polar, with glutamine, which is neutral and polar, at codon 267 of the RAI1 protein (p.His267Gln). This variant is not present in population databases (gnomAD no frequency). This variant has not been reported in the literature in individuals affected with RAI1-related conditions. ClinVar contains an entry for this variant (Variation ID: 3253478). Invitae Evidence Modeling of protein sequence and biophysical properties (such as structural, functional, and spatial information, amino acid conservation, physicochemical variation, residue mobility, and thermodynamic stability) indicates that this missense variant is expected to disrupt RAI1 protein function with a positive predictive value of 80%. In summary, the available evidence is currently insufficient to determine the role of this variant in disease. Therefore, it has been classified as a Variant of Uncertain Significance.

GeneDx
Classification: Uncertain significance. Last evaluated: 2023-10-26. Review status: criteria provided, single submitter. Criteria: GeneDx Variant Classification Process June 2021. Collection method: clinical testing. Allele origin: germline. Affected: yes.
Comment: Not observed at significant frequency in large population cohorts (gnomAD); In silico analysis supports that this missense variant has a deleterious effect on protein structure/function; Has not been previously published as pathogenic or benign to our knowledge

NM_030665.4(RAI1):c.801T>G (p.His267Gln)

Gene: RAI1 (retinoic acid induced 1; plus strand). Cytogenetic location: 17p11.2.
Variant type: single nucleotide variant.
Coding change: c.801T>G on transcript NM_030665.4 (MANE Select); coding-DNA position 801, T replaced by G.
Protein change: p.His267Gln; replaces histidine 267 with glutamine.
Molecular consequence: missense variant.
Genome position (GRCh38, 1-based): chr17:17,793,749, T>G. VCF-style: chr17-17793749-T-G. GRCh37 (hg19) VCF-style: chr17-17697063-T-G.
Other names: short protein forms H267Q.
Identifiers: ClinVar variation 3253478 (VCV003253478.2), dbSNP rs773825953.